The following is an entry in ClinVar:

NM_020975.6(RET):c.757G>C (p.Val253Leu)

Gene: RET (ret proto-oncogene; plus strand). Cytogenetic location: 10q11.21.
Variant type: single nucleotide variant.
Coding change: c.757G>C on transcript NM_020975.6 (MANE Select); coding-DNA position 757, G replaced by C.
Protein change: p.Val253Leu; replaces valine 253 with leucine.
Molecular consequence: missense variant. On other transcripts: 5 prime UTR variant (1), intron variant (22).
Genome position (GRCh38, 1-based): chr10:43,105,083, G>C. VCF-style: chr10-43105083-G-C. GRCh37 (hg19) VCF-style: chr10-43600531-G-C.
Other names: c.757G>C, p.Val253Leu (NM_000323.2, NM_001406743.1, NM_001406744.1 and 8 more transcripts); c.-6G>C (NM_001355216.2); c.628G>C, p.Val210Leu (NM_001406761.1, NM_001406762.1, NM_001406764.1 and 2 more transcripts); c.469G>C, p.Val157Leu (NM_001406766.1, NM_001406767.1, NM_001406770.1); c.625+2454G>C (NM_001406773.1, NM_001406771.1, NM_001406782.1 and 5 more transcripts); c.496+2454G>C (NM_001406786.1, NM_001406783.1); c.338-3948G>C (NM_001406778.1, NM_001406775.1, NM_001406776.1 and 1 more transcripts); c.337+4361G>C (NM_001406790.1, NM_001406788.1, NM_001406789.1 and 1 more transcripts); and 2 more; short protein forms V253L, V157L, V210L.
Identifiers: ClinVar variation 2768907 (VCV002768907.3), dbSNP rs587780816, ClinGen allele CA376544902.

ClinVar aggregate classification (germline): Uncertain significance (1 of 4 stars; one submission).

Conditions:
Multiple endocrine neoplasia, type 2 (MEN2). Identifiers: Orphanet 653, MedGen C4048306, MONDO:0019003. Disease mechanism: gain of function.

Submission:

Labcorp Genetics (formerly Invitae), Labcorp
Classification: Uncertain significance for Multiple endocrine neoplasia, type 2. Last evaluated: 2023-10-16. Review status: criteria provided, single submitter. Criteria: Invitae Variant Classification Sherloc (09022015). Collection method: clinical testing. Allele origin: germline.
Comment: This sequence change replaces valine, which is neutral and non-polar, with leucine, which is neutral and non-polar, at codon 253 of the RET protein (p.Val253Leu). This variant is not present in population databases (gnomAD no frequency). This variant has not been reported in the literature in individuals affected with RET-related conditions. An algorithm developed to predict the effect of missense changes on protein structure and function (PolyPhen-2) suggests that this variant is likely to be tolerated. In summary, the available evidence is currently insufficient to determine the role of this variant in disease. Therefore, it has been classified as a Variant of Uncertain Significance.